The following is an entry in ClinVar:

ClinVar aggregate classification (germline): Uncertain significance. Review status: criteria provided, multiple submitters, no conflicts (2 of 4 stars). 2 submissions from 2 submitters: Uncertain significance (2). Last evaluated 2023-07-05.

Conditions:
Hyperphosphatasia with intellectual disability syndrome 5 (GPIBD11). Also called: GLYCOSYLPHOSPHATIDYLINOSITOL BIOSYNTHESIS DEFECT 11. Identifiers: Orphanet 247262, MedGen C4014958, MONDO:0014457, OMIM 616025.
Inborn genetic diseases. Identifiers: MedGen C0950123, MeSH D030342.

Allele frequency attached by ClinVar (database versions not stated): gnomAD 0.00001; ExAC 0.00002; gnomAD exomes 0.00003 and 0.00004; TOPMed 0.00004.
gnomAD v4.1: 55 of 1,613,618 alleles (0.0034%); highest among the groups gnomAD compares: Non-Finnish European, 0.0043%; no homozygotes.

Submissions (2):

Ambry Genetics
Classification: Uncertain significance for Inborn genetic diseases. Last evaluated: 2023-07-05. Review status: criteria provided, single submitter. Criteria: Ambry Variant Classification Scheme 2023. Collection method: clinical testing. Allele origin: germline.

Labcorp Genetics (formerly Invitae), Labcorp
Classification: Uncertain significance for Hyperphosphatasia with intellectual disability syndrome 5. Last evaluated: 2022-07-05. Review status: criteria provided, single submitter. Criteria: Invitae Variant Classification Sherloc (09022015). Collection method: clinical testing. Allele origin: germline.
Comment: This sequence change replaces tyrosine, which is neutral and polar, with cysteine, which is neutral and slightly polar, at codon 483 of the PIGW protein (p.Tyr483Cys). This variant is present in population databases (rs757082131, gnomAD 0.006%). This variant has not been reported in the literature in individuals affected with PIGW-related conditions. ClinVar contains an entry for this variant (Variation ID: 1402193). Algorithms developed to predict the effect of missense changes on protein structure and function (SIFT, PolyPhen-2, Align-GVGD) all suggest that this variant is likely to be disruptive. Algorithms developed to predict the effect of sequence changes on RNA splicing suggest that this variant may create or strengthen a splice site. In summary, the available evidence is currently insufficient to determine the role of this variant in disease. Therefore, it has been classified as a Variant of Uncertain Significance.

NM_001346754.2(PIGW):c.1448A>G (p.Tyr483Cys)

Genes: MYO19 (myosin XIX; minus strand), PIGW (phosphatidylinositol glycan anchor biosynthesis class W; plus strand). Cytogenetic location: 17q12.
Variant type: single nucleotide variant.
Coding change: c.1448A>G on transcript NM_001346754.2 (MANE Select); coding-DNA position 1448, A replaced by G.
Protein change: p.Tyr483Cys; replaces tyrosine 483 with cysteine.
Molecular consequence: missense variant.
Genome position (GRCh38, 1-based): chr17:36,538,549, A>G. VCF-style: chr17-36538549-A-G. GRCh37 (hg19) VCF-style: chr17-34894398-A-G.
Other names: c.1448A>G, p.Tyr483Cys (NM_001346755.2, NM_178517.5); c.1448A>G (NM_178517.3); short protein forms Y483C.
Identifiers: ClinVar variation 1402193 (VCV001402193.7), dbSNP rs757082131, ClinGen allele CA290116880.